The following is an entry in ClinVar:

ClinVar aggregate classification (germline): Uncertain significance. Review status: criteria provided, multiple submitters, no conflicts (2 of 4 stars). 2 submissions from 2 submitters: Uncertain significance (2). Last evaluated 2024-06-13.

Allele frequency attached by ClinVar (database versions not stated): gnomAD 0.00003; gnomAD exomes 0.00003; TOPMed 0.00003; ExAC 0.00004; ESP Exome Variant Server 0.00015.
gnomAD v4.1: 98 of 1,613,134 alleles (0.0061%); highest among the groups gnomAD compares: Non-Finnish European, 0.0074%; no homozygotes.

Submissions (2):

Blueprint Genetics
Classification: Uncertain significance. Last evaluated: 2024-06-13. Review status: criteria provided, single submitter. Criteria: ACMG Guidelines, 2015. Collection method: clinical testing. Allele origin: germline.

Labcorp Genetics (formerly Invitae), Labcorp
Classification: Uncertain significance. Last evaluated: 2023-09-18. Review status: criteria provided, single submitter. Criteria: Invitae Variant Classification Sherloc (09022015). Collection method: clinical testing. Allele origin: germline.
Comment: An algorithm developed to predict the effect of missense changes on protein structure and function (PolyPhen-2) suggests that this variant is likely to be disruptive. In summary, the available evidence is currently insufficient to determine the role of this variant in disease. Therefore, it has been classified as a Variant of Uncertain Significance. ClinVar contains an entry for this variant (Variation ID: 969958). This variant has not been reported in the literature in individuals affected with CEP250-related conditions. This variant is present in population databases (rs372516061, gnomAD 0.006%). This sequence change replaces glycine, which is neutral and non-polar, with glutamic acid, which is acidic and polar, at codon 1194 of the CEP250 protein (p.Gly1194Glu).

NM_007186.6(CEP250):c.3581G>A (p.Gly1194Glu)

Gene: CEP250 (centrosomal protein 250; plus strand). Cytogenetic location: 20q11.22.
Variant type: single nucleotide variant.
Coding change: c.3581G>A on transcript NM_007186.6 (MANE Select); coding-DNA position 3581, G replaced by A.
Protein change: p.Gly1194Glu; replaces glycine 1194 with glutamic acid.
Molecular consequence: missense variant.
Genome position (GRCh38, 1-based): chr20:35,497,993, G>A. VCF-style: chr20-35497993-G-A. GRCh37 (hg19) VCF-style: chr20-34085822-G-A.
Other names: c.1685G>A, p.Gly562Glu (NM_001318219.1); short protein forms G1194E, G562E.
Identifiers: ClinVar variation 969958 (VCV000969958.11), dbSNP rs372516061, ClinGen allele CA9833497.